The following is an entry in ClinVar:

NM_001353108.3(CEP63):c.1970C>T (p.Ser657Phe)

Gene: CEP63 (centrosomal protein 63; plus strand). Cytogenetic location: 3q22.2.
Variant type: single nucleotide variant.
Coding change: c.1970C>T on transcript NM_001353108.3 (MANE Select); coding-DNA position 1970, C replaced by T.
Protein change: p.Ser657Phe; replaces serine 657 with phenylalanine.
Molecular consequence: missense variant. On other transcripts: non-coding transcript variant (4), intron variant (5).
Genome position (GRCh38, 1-based): chr3:134,561,393, C>T. VCF-style: chr3-134561393-C-T. GRCh37 (hg19) VCF-style: chr3-134280235-C-T.
Other names: c.1262C>T, p.Ser421Phe (NM_001353125.2); c.983C>T, p.Ser328Phe (NM_001353126.2); c.1970C>T, p.Ser657Phe (NM_025180.5); c.1467+9381C>T (NM_001353113.1, NM_001353117.2); c.1329+9381C>T (NM_001042384.2, NM_001353124.2, NM_001353123.2); c.1346C>T, p.Ser449Phe (NM_001042383.2, NM_001353119.2, NM_001353120.2 and 2 more transcripts); c.1484C>T, p.Ser495Phe (NM_001042400.3, NM_001353110.1, NM_001353111.2 and 1 more transcripts); c.1832C>T, p.Ser611Phe (NM_001353109.1); and 1 more; short protein forms S495F, S611F, S328F, S449F, S458F, S657F, S421F.
Identifiers: ClinVar variation 2085546 (VCV002085546.3), dbSNP rs374919528, ClinGen allele CA2628845.

ClinVar aggregate classification (germline): Uncertain significance (1 of 4 stars; one submission).

Allele frequency attached by ClinVar (database versions not stated): TOPMed 0.00005; gnomAD 0.00007; ESP Exome Variant Server 0.00008; gnomAD exomes 0.00009; ExAC 0.00021.
gnomAD v4.1: 146 of 1,613,780 alleles (0.009%); highest among the groups gnomAD compares: Non-Finnish European, 0.011%; no homozygotes.

Submission:

Labcorp Genetics (formerly Invitae), Labcorp
Classification: Uncertain significance. Last evaluated: 2022-06-18. Review status: criteria provided, single submitter. Criteria: Invitae Variant Classification Sherloc (09022015). Collection method: clinical testing. Allele origin: germline.
Comment: This sequence change replaces serine, which is neutral and polar, with phenylalanine, which is neutral and non-polar, at codon 657 of the CEP63 protein (p.Ser657Phe). In summary, the available evidence is currently insufficient to determine the role of this variant in disease. Therefore, it has been classified as a Variant of Uncertain Significance. Algorithms developed to predict the effect of missense changes on protein structure and function are either unavailable or do not agree on the potential impact of this missense change (SIFT: "Deleterious"; PolyPhen-2: "Benign"; Align-GVGD: "Class C0"). This variant has not been reported in the literature in individuals affected with CEP63-related conditions. This variant is present in population databases (rs374919528, gnomAD 0.02%).